The following is an entry in ClinVar:

ClinVar aggregate classification (germline): Uncertain significance (1 of 4 stars; one submission).

Submission:

Labcorp Genetics (formerly Invitae), Labcorp
Classification: Uncertain significance. Last evaluated: 2025-03-11. Review status: criteria provided, single submitter. Criteria: Invitae Variant Classification Sherloc (09022015). Collection method: clinical testing. Allele origin: germline.
Comment: This sequence change replaces aspartic acid, which is acidic and polar, with glutamic acid, which is acidic and polar, at codon 255 of the TRIM8 protein (p.Asp255Glu). This variant is not present in population databases (gnomAD no frequency). This variant has not been reported in the literature in individuals affected with TRIM8-related conditions. ClinVar contains an entry for this variant (Variation ID: 2020797). An algorithm developed to predict the effect of missense changes on protein structure and function (PolyPhen-2) suggests that this variant is likely to be tolerated. In summary, the available evidence is currently insufficient to determine the role of this variant in disease. Therefore, it has been classified as a Variant of Uncertain Significance.

NM_030912.3(TRIM8):c.765C>G (p.Asp255Glu)

Gene: TRIM8 (tripartite motif containing 8; plus strand). Cytogenetic location: 10q24.32.
Variant type: single nucleotide variant.
Coding change: c.765C>G on transcript NM_030912.3 (MANE Select); coding-DNA position 765, C replaced by G.
Protein change: p.Asp255Glu; replaces aspartic acid 255 with glutamic acid.
Molecular consequence: missense variant. On other transcripts: non-coding transcript variant (1).
Genome position (GRCh38, 1-based): chr10:102,655,178, C>G. VCF-style: chr10-102655178-C-G. GRCh37 (hg19) VCF-style: chr10-104414935-C-G.
Other names: c.669C>G, p.Asp223Glu (NM_001345950.1); short protein forms D223E, D255E.
Identifiers: ClinVar variation 2020797 (VCV002020797.4), dbSNP rs2492909198, ClinGen allele CA377929197.